The following is an entry in ClinVar:

NM_001364905.1(LRBA):c.7078T>C (p.Phe2360Leu)

Gene: LRBA (LPS responsive beige-like anchor protein; minus strand). Cytogenetic location: 4q31.3.
Variant type: single nucleotide variant.
Coding change: c.7078T>C on transcript NM_001364905.1 (MANE Select); coding-DNA position 7078, T replaced by C.
Protein change: p.Phe2360Leu; replaces phenylalanine 2360 with leucine.
Molecular consequence: missense variant.
Genome position (GRCh38, 1-based): chr4:150,415,554, A>G on the plus strand (T>C on the coding strand, the complement: LRBA is on the minus strand). VCF-style: chr4-150415554-A-G. GRCh37 (hg19) VCF-style: chr4-151336706-A-G.
Other names: c.7078T>C, p.Phe2360Leu (NM_001199282.3, NM_001367550.1); c.7111T>C, p.Phe2371Leu (NM_006726.5); short protein forms F2360L, F2371L.
Identifiers: ClinVar variation 2100364 (VCV002100364.4), dbSNP rs1390507386, ClinGen allele CA358604547.

ClinVar aggregate classification (germline): Uncertain significance (1 of 4 stars; one submission).

Conditions:
Combined immunodeficiency due to LRBA deficiency. Also called: Common variable immunodeficiency 8, with autoimmunity. Identifiers: Orphanet 445018, MedGen C3553512, MONDO:0013863, OMIM 614700.

Allele frequency attached by ClinVar (database versions not stated): gnomAD exomes below 0.00001; gnomAD 0.00001; TOPMed 0.00001.
gnomAD v4.1: 3 of 1,592,342 alleles (0.00019%); highest among the groups gnomAD compares: Non-Finnish European, 0.00026%; no homozygotes.

Submission:

Labcorp Genetics (formerly Invitae), Labcorp
Classification: Uncertain significance for Combined immunodeficiency due to LRBA deficiency. Last evaluated: 2024-08-05. Review status: criteria provided, single submitter. Criteria: Invitae Variant Classification Sherloc (09022015). Collection method: clinical testing. Allele origin: germline.
Comment: This sequence change replaces phenylalanine, which is neutral and non-polar, with leucine, which is neutral and non-polar, at codon 2371 of the LRBA protein (p.Phe2371Leu). The frequency data for this variant in the population databases is considered unreliable, as metrics indicate poor data quality at this position in the gnomAD database. This variant has not been reported in the literature in individuals affected with LRBA-related conditions. ClinVar contains an entry for this variant (Variation ID: 2100364). Advanced modeling of protein sequence and biophysical properties (such as structural, functional, and spatial information, amino acid conservation, physicochemical variation, residue mobility, and thermodynamic stability) performed at Invitae indicates that this missense variant is not expected to disrupt LRBA protein function with a negative predictive value of 80%. In summary, the available evidence is currently insufficient to determine the role of this variant in disease. Therefore, it has been classified as a Variant of Uncertain Significance.